The following is an entry in ClinVar:

NM_000143.4(FH):c.133-3T>G

Gene: FH (fumarate hydratase; minus strand). Cytogenetic location: 1q43.
Variant type: single nucleotide variant.
Coding change: c.133-3T>G on transcript NM_000143.4 (MANE Select); 3 bases into the intron before coding-DNA position 133, T replaced by G.
Molecular consequence: intron variant.
Genome position (GRCh38, 1-based): chr1:241,517,319, A>C on the plus strand (T>G on the coding strand, the complement: FH is on the minus strand). VCF-style: chr1-241517319-A-C. GRCh37 (hg19) VCF-style: chr1-241680619-A-C.
Identifiers: ClinVar variation 2857407 (VCV002857407.3), dbSNP rs1553341989, ClinGen allele CA2651255650.

ClinVar aggregate classification (germline): Uncertain significance (1 of 4 stars; one submission).

gnomAD v4.1: 2 of 1,614,016 alleles (0.00012%); highest among the groups gnomAD compares: Non-Finnish European, 0.00017%; no homozygotes.

Submission:

Labcorp Genetics (formerly Invitae), Labcorp
Classification: Uncertain significance. Last evaluated: 2023-05-02. Review status: criteria provided, single submitter. Criteria: Invitae Variant Classification Sherloc (09022015). Collection method: clinical testing. Allele origin: germline.
Comment: This sequence change falls in intron 1 of the FH gene. It does not directly change the encoded amino acid sequence of the FH protein. It affects a nucleotide within the consensus splice site. This variant is not present in population databases (gnomAD no frequency). In summary, the available evidence is currently insufficient to determine the role of this variant in disease. Therefore, it has been classified as a Variant of Uncertain Significance. Variants that disrupt the consensus splice site are a relatively common cause of aberrant splicing (PMID: 17576681, 9536098). Algorithms developed to predict the effect of sequence changes on RNA splicing suggest that this variant may create or strengthen a splice site. This variant has not been reported in the literature in individuals affected with FH-related conditions.

Literature cited by the submitters: PubMed 17576681; PubMed 9536098.